The following is an entry in ClinVar:

NM_014866.2(SEC16A):c.2252C>G (p.Ala751Gly)

Gene: SEC16A (SEC16 homolog A, endoplasmic reticulum export factor; minus strand). Cytogenetic location: 9q34.3.
Variant type: single nucleotide variant.
Coding change: c.2252C>G on transcript NM_014866.2 (MANE Select); coding-DNA position 2252, C replaced by G.
Protein change: p.Ala751Gly; replaces alanine 751 with glycine.
Molecular consequence: missense variant.
Genome position (GRCh38, 1-based): chr9:136,475,364, G>C on the plus strand (C>G on the coding strand, the complement: SEC16A is on the minus strand). VCF-style: chr9-136475364-G-C. GRCh37 (hg19) VCF-style: chr9-139369816-G-C.
Other names: c.2252C>G, p.Ala751Gly (NM_001276418.2); short protein forms A751G.
Identifiers: ClinVar variation 2659740 (VCV002659740.24), dbSNP rs200394508, ClinGen allele CA5338923.
Genomic context (GRCh38, chr9:136,475,364, plus strand): 5'-CGTGACTGCTGCCCGGACATCGCCTCTTCTGGAGGCTGAACAACAGGTGGCTGAGGTTTT[G>C]CACACACATAAAGCGCCGGGGCTGCAGGGGCCAGAAGGACGTTGCCTCCAAAATCTGGCA-3'
Protein context (NP_055681.1, residues 741-761): APAAPALYVC[Ala751Gly]KPQPPVVQPP

ClinVar aggregate classification (germline): Likely benign (1 of 4 stars; one submission).

Allele frequency attached by ClinVar (database versions not stated): 1000 Genomes Project 0.00060; 1000 Genomes Project 30x 0.00078; gnomAD 0.00198; TOPMed 0.00199; ExAC 0.00202; ESP Exome Variant Server 0.00219; gnomAD exomes 0.00271.

Submission:

CeGaT Center for Human Genetics Tuebingen
Classification: Likely benign. Last evaluated: 2023-05-01. Review status: criteria provided, single submitter. Criteria: CeGaT Center For Human Genetics Tuebingen Variant Classification Criteria Version 2. Collection method: clinical testing. Allele origin: germline. Affected: yes. Observed: 1 variant allele.
Comment: SEC16A: BP4, BS1